The following continues an entry in ClinVar:

NM_000059.4(BRCA2):c.6317T>C (p.Leu2106Pro)

Gene: BRCA2. ClinVar aggregate classification (germline): Conflicting classifications of pathogenicity. Uncertain significance (2); Benign (2); Likely benign (14).

Submissions 18 to 27 of 27:

Genome Diagnostics Laboratory, University Medical Center Utrecht
Classification: Likely benign for Breast-ovarian cancer, familial, susceptibility to, 2. Last evaluated: 2015-01-09. Review status: criteria provided, single submitter. Criteria: ACGS Guidelines, 2013. Collection method: clinical testing. Allele origin: germline. Affected: yes. Study: VKGL Data-share Consensus.

BRCAlab, Lund University
Classification: Likely benign for Breast-ovarian cancer, familial, susceptibility to, 2. Last evaluated: 2020-03-02. Review status: no assertion criteria provided. Collection method: clinical testing. Allele origin: germline. Affected: yes. Not counted in ClinVar's aggregate classification.

Counsyl
Classification: Uncertain significance for Breast-ovarian cancer, familial, susceptibility to, 2. Last evaluated: 2018-03-02. Review status: no assertion criteria provided. Collection method: clinical testing. Allele origin: unknown. Not counted in ClinVar's aggregate classification.

Research Molecular Genetics Laboratory, Women's College Hospital, University of Toronto
Classification: Benign. Last evaluated: 2014-01-31. Review status: no assertion criteria provided. Collection method: research. Allele origin: germline. Affected: yes. Study: The Canadian Open Genetics Repository (COGR). Not counted in ClinVar's aggregate classification.

Sharing Clinical Reports Project (SCRP)
Classification: Benign for Breast-ovarian cancer, familial 2. Last evaluated: 2011-03-17. Review status: no assertion criteria provided. Collection method: clinical testing. Allele origin: germline. Not counted in ClinVar's aggregate classification.

Breast Cancer Information Core (BIC) (BRCA2)
Classification: Uncertain significance for Breast-ovarian cancer, familial 2. Last evaluated: 2002-05-29. Review status: no assertion criteria provided. Collection method: clinical testing. Allele origin: germline. Affected: yes. Observed: 13 variant alleles. Not counted in ClinVar's aggregate classification.

Clinical Genetics Laboratory, Department of Pathology, Netherlands Cancer Institute
Classification: Likely benign. Review status: no assertion criteria provided. Collection method: clinical testing. Allele origin: germline. Affected: yes. Study: VKGL Data-share Consensus. Not counted in ClinVar's aggregate classification.

Department of Pathology and Laboratory Medicine, Sinai Health System
Classification: Benign for Breast-ovarian cancer, familial, susceptibility to, 2. Review status: no assertion criteria provided. Collection method: clinical testing. Allele origin: unknown. Affected: yes. Observed: 2 variant alleles. Study: The Canadian Open Genetics Repository (COGR). Not counted in ClinVar's aggregate classification.
Comment: The BRCA2 p.Leu2106Pro variant was identified in 2 of 4434 proband chromosomes (frequency 0.0005) from individuals with breast or ovarian cancer (Borg 2010, Spearman 2008). The variant was also listed in the NHLBI Exome Sequencing Project with a frequency of 0.0002 in European American alleles, and was also identified in dbSNP, LOVD, the BIC database (13X as a variant with unknown clinical importance), and in UMD (4X as an unclassified variant). In UMD, the variant was listed to co-occur once with a pathogenic mutation in BRCA2 (c.6209_6212delAAAG (p.Glu2070ValfsX10)), increasing the likelihood that this variant does not have clinical importance. The p.Leu2106 residue is not conserved in mammals and the variant amino acid proline (Pro) is present in rat, cat and dog, also increasing the likelihood that this variant does not have clinical significance. In addition, computational analyses (PolyPhen-2, SIFT, AlignGVGD) do not suggest a high likelihood of impact to the protein, and Myriad classifies this variant as a polymorphism (personal communication). In summary, based on the above information, this variant meets our laboratory's criteria to be classified as benign.

Joint Genome Diagnostic Labs from Nijmegen and Maastricht, Radboudumc and MUMC+
Classification: Likely benign. Review status: no assertion criteria provided. Collection method: clinical testing. Allele origin: germline. Affected: yes. Study: VKGL Data-share Consensus. Not counted in ClinVar's aggregate classification.

Laboratory of Diagnostic Genome Analysis, Leiden University Medical Center (LUMC)
Classification: Likely benign. Review status: no assertion criteria provided. Collection method: clinical testing. Allele origin: germline. Affected: yes. Study: VKGL Data-share Consensus. Not counted in ClinVar's aggregate classification.

Literature cited by the submitters: PubMed 20104584 (cited by Women's Health and Genetics/Laboratory Corporation of America, LabCorp and Ambry Genetics); PubMed 22711857 (cited by 3 submitters); PubMed 18824701 (cited by Women's Health and Genetics/Laboratory Corporation of America, LabCorp and Counsyl); PubMed 21520273 (cited by Women's Health and Genetics/Laboratory Corporation of America, LabCorp and Counsyl); PubMed 18284688 (cited by 3 submitters); PubMed 23231788 (cited by 3 submitters); PubMed 10882858 (cited by Women's Health and Genetics/Laboratory Corporation of America, LabCorp); PubMed 22476429 (cited by Women's Health and Genetics/Laboratory Corporation of America, LabCorp and Counsyl); PubMed 20167696 (cited by Women's Health and Genetics/Laboratory Corporation of America, LabCorp); PubMed 28678401 (cited by Women's Health and Genetics/Laboratory Corporation of America, LabCorp); PubMed 30541756 (cited by Women's Health and Genetics/Laboratory Corporation of America, LabCorp); PubMed 32772980 (cited by Women's Health and Genetics/Laboratory Corporation of America, LabCorp); PubMed 32866190 (cited by Women's Health and Genetics/Laboratory Corporation of America, LabCorp); PubMed 33293522 (cited by Women's Health and Genetics/Laboratory Corporation of America, LabCorp); PubMed 23555315 (cited by Ambry Genetics); PubMed 31131967 (cited by Ambry Genetics); PubMed 26898890 (cited by Counsyl).